The following is an entry in ClinVar:

ClinVar aggregate classification (germline): Conflicting classifications of pathogenicity. Review status: criteria provided, conflicting classifications (1 of 4 stars). 2 submissions from 2 submitters: Uncertain significance (1); Likely benign (1). Last evaluated 2023-12-18.

Conditions:
Inborn genetic diseases. Identifiers: MedGen C0950123, MeSH D030342.

Allele frequency attached by ClinVar (database versions not stated): gnomAD 0.00001; ExAC 0.00002; gnomAD exomes 0.00002; TOPMed 0.00003.

Submissions (2):

Ambry Genetics
Classification: Likely benign for Inborn genetic diseases. Last evaluated: 2023-12-18. Review status: criteria provided, single submitter. Criteria: Ambry Variant Classification Scheme 2023. Collection method: clinical testing. Allele origin: germline.

Mayo Clinic Laboratories, Mayo Clinic
Classification: Uncertain significance. Last evaluated: 2022-08-12. Review status: criteria provided, single submitter. Criteria: ACMG Guidelines, 2015. Collection method: clinical testing. Allele origin: germline. Observed: 1 variant allele.
Comment: BP4, PM2

NM_001083961.2(WDR62):c.3088G>A (p.Ala1030Thr)

Gene: WDR62 (WD repeat domain 62; plus strand). Cytogenetic location: 19q13.12.
Variant type: single nucleotide variant.
Coding change: c.3088G>A on transcript NM_001083961.2 (MANE Select); coding-DNA position 3088, G replaced by A.
Protein change: p.Ala1030Thr; replaces alanine 1030 with threonine.
Molecular consequence: missense variant. On other transcripts: intron variant (1).
Genome position (GRCh38, 1-based): chr19:36,102,019, G>A. VCF-style: chr19-36102019-G-A. GRCh37 (hg19) VCF-style: chr19-36592921-G-A.
Other names: p.Ala1030Thr; c.3088G>A (NM_001083961.1); c.3073G>A, p.Ala1025Thr (NM_001411145.1); c.2737G>A, p.Ala913Thr (NM_001411147.1); c.3088G>A, p.Ala1030Thr (NM_173636.5); c.2971+702G>A (NM_001411146.1); short protein forms A1025T, A1030T, A913T.
Identifiers: ClinVar variation 2683494 (VCV002683494.2), dbSNP rs771206214, ClinGen allele CA9396158.
Genomic context (GRCh38, chr19:36,102,019, plus strand): 5'-TCTGCTGTGACTCATGGTGTTGGCTCCTCTTGTCCCTCCCCTCCTTCCCTGTCAGGATGC[G>A]CAGGTCCCACAGAAGATGAGCTGTCCCTGCCCGAGGGACCCAGCGTCCCCAGCAGCTCCC-3'
Protein context (NP_001077430.1, residues 1020-1040): ATSLPHFPGC[Ala1030Thr]GPTEDELSLP